The following is an entry in ClinVar:

ClinVar aggregate classification (germline): Conflicting classifications of pathogenicity. Review status: criteria provided, conflicting classifications (1 of 4 stars). 3 submissions from 3 submitters: Uncertain significance (2); Likely benign (1). Last evaluated 2025-01-09.

Conditions:
Fanconi anemia (FA). Also called: Fanconi's anemia. Identifiers: Orphanet 84, MedGen C0015625, MeSH D005199, MONDO:0019391.
Inborn genetic diseases. Identifiers: MedGen C0950123, MeSH D030342.

Allele frequency attached by ClinVar (database versions not stated): TOPMed 0.00003; ExAC 0.00001; gnomAD 0.00001; gnomAD exomes below 0.00001.
gnomAD v4.1: 15 of 1,614,030 alleles (0.00093%); highest among the groups gnomAD compares: East Asian, 0.0045%; no homozygotes.

Submissions (3):

Ambry Genetics
Classification: Likely benign for Inborn genetic diseases. Last evaluated: 2025-01-09. Review status: criteria provided, single submitter. Criteria: Ambry Variant Classification Scheme 2023. Collection method: clinical testing. Allele origin: germline.

Sema4
Classification: Uncertain significance for Fanconi anemia. Last evaluated: 2022-03-11. Review status: criteria provided, single submitter. Criteria: Sema4 Curation Guidelines. Collection method: curation. Allele origin: germline.
Comment: To the best of our knowledge, the FANCI c.3562G>A (p.G1188R) variant has not been reported in individuals with FANCI-related disease. This variant was observed in 1/24962 chromosomes in the African/African American subpopulation according to the Genome Aggregation Database (PMID: 32461654) and has been reported in ClinVar (Variation ID: 945869). Functional studies have not been performed, and in silico predictions of the variant's effect on protein function are inconclusive. The evidence is insufficient to meet ACMG/AMP criteria for classifying the variant as benign or pathogenic. Thus, the clinical significance of this variant is currently uncertain.

Labcorp Genetics (formerly Invitae), Labcorp
Classification: Uncertain significance for Fanconi anemia. Last evaluated: 2021-08-24. Review status: criteria provided, single submitter. Criteria: Invitae Variant Classification Sherloc (09022015). Collection method: clinical testing. Allele origin: germline.
Comment: This sequence change replaces glycine with arginine at codon 1188 of the FANCI protein (p.Gly1188Arg). The glycine residue is weakly conserved and there is a moderate physicochemical difference between glycine and arginine. This variant is present in population databases (rs772739034, ExAC 0.002%). This variant has not been reported in the literature in individuals affected with FANCI-related conditions. Algorithms developed to predict the effect of missense changes on protein structure and function output the following: SIFT: "Tolerated"; PolyPhen-2: "Benign"; Align-GVGD: "Class C0". The arginine amino acid residue is found in multiple mammalian species, which suggests that this missense change does not adversely affect protein function. In summary, the available evidence is currently insufficient to determine the role of this variant in disease. Therefore, it has been classified as a Variant of Uncertain Significance.

NM_001113378.2(FANCI):c.3562G>A (p.Gly1188Arg)

Gene: FANCI (FA complementation group I; plus strand). Cytogenetic location: 15q26.1.
Variant type: single nucleotide variant.
Coding change: c.3562G>A on transcript NM_001113378.2 (MANE Select); coding-DNA position 3562, G replaced by A.
Protein change: p.Gly1188Arg; replaces glycine 1188 with arginine.
Molecular consequence: missense variant.
Genome position (GRCh38, 1-based): chr15:89,307,500, G>A. VCF-style: chr15-89307500-G-A. GRCh37 (hg19) VCF-style: chr15-89850731-G-A.
Other names: c.3283G>A, p.Gly1095Arg (NM_001376910.1); c.3562G>A, p.Gly1188Arg (NM_001376911.1); c.3382G>A, p.Gly1128Arg (NM_018193.3); short protein forms G1095R, G1188R, G1128R.
Identifiers: ClinVar variation 945869 (VCV000945869.9), dbSNP rs772739034, ClinGen allele CA7723767.